The following is an entry in ClinVar:

ClinVar aggregate classification (germline): Pathogenic (1 of 4 stars; one submission).

Conditions:
Hereditary cancer-predisposing syndrome. Also called: Neoplastic Syndromes, Hereditary; Tumor predisposition; Hereditary Cancer Syndrome; Hereditary neoplastic syndrome. Identifiers: Orphanet 140162, MedGen C0027672, MeSH D009386, MONDO:0015356.

gnomAD v4.1: 2 of 1,613,090 alleles (0.00012%); highest among the groups gnomAD compares: Non-Finnish European, 0.00017%; no homozygotes.

Submission:

Ambry Genetics
Classification: Pathogenic for Hereditary cancer-predisposing syndrome. Last evaluated: 2026-04-16. Review status: criteria provided, single submitter. Criteria: Ambry Variant Classification Scheme 2023. Collection method: clinical testing. Allele origin: germline.
Comment: The p.Y68* pathogenic mutation (also known as c.204T>G), located in coding exon 2 of the NTHL1 gene, results from a T to G substitution at nucleotide position 204. This changes the amino acid from a tyrosine to a stop codon within coding exon 2. This variant is considered to be rare based on population cohorts in the Genome Aggregation Database (gnomAD). This variant is expected to result in loss of function by premature protein truncation or nonsense-mediated mRNA decay. As such, this variant is interpreted as a disease-causing mutation.

NM_002528.7(NTHL1):c.180T>G (p.Tyr60Ter)

Gene: NTHL1 (nth like DNA glycosylase 1; minus strand). Cytogenetic location: 16p13.3.
Variant type: single nucleotide variant.
Coding change: c.180T>G on transcript NM_002528.7 (MANE Select); coding-DNA position 180, T replaced by G.
Protein change: p.Tyr60Ter; replaces tyrosine 60 with a stop codon.
Molecular consequence: nonsense. On other transcripts: missense variant (1), initiator codon variant (1).
Genome position (GRCh38, 1-based): chr16:2,046,302, A>C on the plus strand (T>G on the coding strand, the complement: NTHL1 is on the minus strand). VCF-style: chr16-2046302-A-C. GRCh37 (hg19) VCF-style: chr16-2096303-A-C.
Other names: c.180T>G, p.Tyr60Ter (NM_001318193.2); c.2T>G, p.Met1Arg (NM_001318194.2); short protein forms M1R, Y60*.
Identifiers: ClinVar variation 4861222 (VCV004861222.1).